The following is an entry in ClinVar:

NM_001034853.2(RPGR):c.730A>T (p.Lys244Ter)

Gene: RPGR (retinitis pigmentosa GTPase regulator; minus strand). Cytogenetic location: Xp11.4.
Variant type: single nucleotide variant.
Coding change: c.730A>T on transcript NM_001034853.2 (MANE Select); coding-DNA position 730, A replaced by T.
Protein change: p.Lys244Ter; replaces lysine 244 with a stop codon.
Molecular consequence: nonsense. On other transcripts: non-coding transcript variant (6).
Genome position (GRCh38, 1-based): chrX:38,310,663, T>A on the plus strand (A>T on the coding strand, the complement: RPGR is on the minus strand). VCF-style: chrX-38310663-T-A. GRCh37 (hg19) VCF-style: chrX-38169916-T-A.
Other names: NM_001034853.2(RPGR):c.730A>T; p.Lys244Ter; c.730A>T, p.Lys244Ter (NM_000328.3, NM_001367246.1, NM_001367247.1 and 1 more transcripts); c.727A>T, p.Lys243Ter (NM_001367245.1, NM_001367249.1, NM_001367250.1); c.760A>T, p.Lys254Ter (NM_001367248.1); short protein forms K244*, K243*, K254*.
Identifiers: ClinVar variation 98796 (VCV000098796.1), dbSNP rs62638653, ClinGen allele CA226439.

ClinVar aggregate classification (germline): Pathogenic. Review status: reviewed by expert panel (3 of 4 stars). 2 submissions from 2 submitters: Pathogenic (1). 1 of the submissions does not count toward it. Last evaluated 2025-05-20.

Conditions:
RPGR-related retinopathy. Also called: RPGR retinopathy. Identifiers: MedGen CN305589, MONDO:0100437.

Submissions (2):

ClinGen X-linked Inherited Retinal Disease Variant Curation Expert Panel, ClinGen
Classification: Pathogenic for RPGR-related retinopathy. Last evaluated: 2025-05-20. Review status: reviewed by expert panel. Criteria: ClinGen X LinkedIRD ACMG Specifications RPGR V1.0.0. Collection method: curation. Allele origin: germline. Inheritance: X-linked inheritance.
Comment: NM_001034853.2(RPGR):c.730A>T (p.Lys244Ter) is a nonsense variant that introduces a premature stop codon into exon 7 of 15, and is predicted to lead to nonsense-mediated decay in the RPGR gene in which loss-of-function is an established disease mechanism (PVS1, PMID: 36445968). This variant is absent from hemizygous individuals in gnomAD v4.1.0 (PM2_Supporting). At least one proband harboring this variant exhibits a phenotype including a family pedigree consistent with X-linked inheritance (2 points), night blindness (0.5 points), delayed or milder phenotype in females (1 point), rod involvement relatively greater than cone involvement (1 point), and peripheral visual field constriction (0.5 points), which together are specific for RPGR-related retinopathy (5 points, PMIDs: 11180598, 21857984, PP4). The variant has been reported to segregate with retinal dystrophy through at least 4 affected meioses from 1 family (PP1_Moderate). In summary, this variant meets the criteria to be classified as pathogenic for RPGR-related retinopathy based on the ClinGen X-linked Inherited Retinal Disease Expert Panel Specifications to the ACMG/AMP Variant Interpretation Guidelines for RPGR Version 1.0.0; PVS1, PM2_supporting, PP1_Moderate, and PP4. (date of approval 05/16/2025).

Retina International
No classification provided. Review status: no classification provided. Collection method: not provided. Allele origin: not provided. Not counted in ClinVar's aggregate classification.